The following is an entry in ClinVar:

NM_001365536.1(SCN9A):c.2305_2323dup (p.Val775delinsAspTer)

Genes: SCN1A-AS1 (SCN1A and SCN9A antisense RNA 1; plus strand), SCN9A (sodium voltage-gated channel alpha subunit 9; minus strand). Cytogenetic location: 2q24.3.
Variant type: Duplication.
Coding change: c.2305_2323dup on transcript NM_001365536.1 (MANE Select); coding-DNA positions 2305 to 2323, 19 bases duplicated (ACTGAGGAATTCAAAAATG).
Protein change: p.Val775delinsAspTer.
Molecular consequence: nonsense. On other transcripts: frameshift variant (1).
Genome position (GRCh38, 1-based): chr2:166,280,377-166,280,395, CATTTTTGAATTCCTCAGT duplicated on the plus strand (ACTGAGGAATTCAAAAATG on the coding strand, the reverse complement: SCN9A is on the minus strand); duplicating any 19 consecutive bases within chr2:166,280,377-166,280,399 gives the same sequence; the c. name uses the placement nearest the transcript's 3' end. VCF-style (leftmost placement, unchanged base first): chr2-166280376-A-ACATTTTTGAATTCCTCAGT. GRCh37 (hg19) VCF-style: chr2-167136886-A-ACATTTTTGAATTCCTCAGT.
Other names: c.2268_2286dup, p.Val764Aspfs (NM_002977.4).
Identifiers: ClinVar variation 471095 (VCV000471095.6), dbSNP rs1553488759, ClinGen allele CA658657114.

ClinVar aggregate classification (germline): Pathogenic (1 of 4 stars; one submission).

Conditions:
Neuropathy, hereditary sensory and autonomic, type 2A (HSAN2A). Also called: ACROOSTEOLYSIS, NEUROGENIC; ACROOSTEOLYSIS, GIACCAI TYPE; MORVAN DISEASE; NEUROPATHY, CONGENITAL SENSORY; NEUROPATHY, HEREDITARY SENSORY RADICULAR, AUTOSOMAL RECESSIVE; NEUROPATHY, HEREDITARY SENSORY, TYPE IIA. Identifiers: Orphanet 970, MedGen C2752089, MONDO:0024309, OMIM 201300.
Generalized epilepsy with febrile seizures plus, type 7 (GEFSP7). Also called: GEFS+, TYPE 7. Identifiers: Orphanet 36387, MedGen C2751778, MONDO:0013470, OMIM 613863.

Submission:

Labcorp Genetics (formerly Invitae), Labcorp
Classification: Pathogenic for Neuropathy, hereditary sensory and autonomic, type 2A; Generalized epilepsy with febrile seizures plus, type 7. Last evaluated: 2022-01-11. Review status: criteria provided, single submitter. Criteria: Invitae Variant Classification Sherloc (09022015). Collection method: clinical testing. Allele origin: germline.
Comment: For these reasons, this variant has been classified as Pathogenic. ClinVar contains an entry for this variant (Variation ID: 471095). This variant has not been reported in the literature in individuals affected with SCN9A-related conditions. This variant is not present in population databases (gnomAD no frequency). This sequence change creates a premature translational stop signal (p.Val764Aspfs*2) in the SCN9A gene. It is expected to result in an absent or disrupted protein product. Loss-of-function variants in SCN9A are known to be pathogenic (PMID: 17470132, 19304393).

Literature cited by the submitters: PubMed 17470132; PubMed 19304393.